The following is an entry in ClinVar:

ClinVar aggregate classification (germline): Uncertain significance. Review status: criteria provided, multiple submitters, no conflicts (2 of 4 stars). 2 submissions from 2 submitters: Uncertain significance (2). Last evaluated 2022-05-18.

Conditions:
Inborn genetic diseases. Identifiers: MedGen C0950123, MeSH D030342.

Allele frequency attached by ClinVar (database versions not stated): 1000 Genomes Project 30x 0.00016; 1000 Genomes Project 0.00040.
gnomAD v4.1: 41 of 1,614,236 alleles (0.0025%); highest among the groups gnomAD compares: South Asian, 0.037%; 1 homozygote.

Submissions (2):

Ambry Genetics
Classification: Uncertain significance for Inborn genetic diseases. Last evaluated: 2022-05-18. Review status: criteria provided, single submitter. Criteria: Ambry Variant Classification Scheme 2023. Collection method: clinical testing. Allele origin: germline.

Labcorp Genetics (formerly Invitae), Labcorp
Classification: Uncertain significance. Last evaluated: 2022-03-17. Review status: criteria provided, single submitter. Criteria: Invitae Variant Classification Sherloc (09022015). Collection method: clinical testing. Allele origin: germline.
Comment: In summary, the available evidence is currently insufficient to determine the role of this variant in disease. Therefore, it has been classified as a Variant of Uncertain Significance. Algorithms developed to predict the effect of missense changes on protein structure and function are either unavailable or do not agree on the potential impact of this missense change (SIFT: "Tolerated"; PolyPhen-2: "Probably Damaging"; Align-GVGD: "Class C0"). This variant has not been reported in the literature in individuals affected with C1QC-related conditions. This variant is present in population databases (rs552511537, gnomAD 0.05%). This sequence change replaces threonine, which is neutral and polar, with methionine, which is neutral and non-polar, at codon 153 of the C1QC protein (p.Thr153Met).

NM_172369.5(C1QC):c.458C>T (p.Thr153Met)

Gene: C1QC (complement C1q C chain; plus strand). Cytogenetic location: 1p36.12.
Variant type: single nucleotide variant.
Coding change: c.458C>T on transcript NM_172369.5 (MANE Select); coding-DNA position 458, C replaced by T.
Protein change: p.Thr153Met; replaces threonine 153 with methionine.
Molecular consequence: missense variant.
Genome position (GRCh38, 1-based): chr1:22,647,503, C>T. VCF-style: chr1-22647503-C-T. GRCh37 (hg19) VCF-style: chr1-22973996-C-T.
Other names: c.458C>T, p.Thr153Met (NM_001114101.3, NM_001347619.2); c.191C>T, p.Thr64Met (NM_001347620.2); c.458C>T (NM_172369.3); short protein forms T153M, T64M.
Identifiers: ClinVar variation 2290144 (VCV002290144.6), dbSNP rs552511537, ClinGen allele CA677981.
Genomic context (GRCh38, chr1:22,647,503, plus strand): 5'-CACCCAACAGCCTGATCAGATTCAACGCGGTCCTCACCAACCCGCAGGGAGATTATGACA[C>T]GAGCACTGGCAAGTTCACCTGCAAAGTCCCCGGCCTCTACTACTTTGTCTACCACGCGTC-3'
Protein context (NP_758957.2, residues 143-163): VLTNPQGDYD[Thr153Met]STGKFTCKVP